The following is an entry in ClinVar:

ClinVar aggregate classification (germline): Uncertain significance (1 of 4 stars; one submission).

Submission:

Labcorp Genetics (formerly Invitae), Labcorp
Classification: Uncertain significance. Last evaluated: 2025-11-13. Review status: criteria provided, single submitter. Criteria: Invitae Variant Classification Sherloc (09022015). Collection method: clinical testing. Allele origin: germline.
Comment: This sequence change replaces methionine, which is neutral and non-polar, with valine, which is neutral and non-polar, at codon 1927 of the HMCN1 protein (p.Met1927Val). This variant is present in population databases (rs777255443, gnomAD 0.01%). This variant has not been reported in the literature in individuals affected with HMCN1-related conditions. An algorithm developed to predict the effect of missense changes on protein structure and function (PolyPhen-2) suggests that this variant is likely to be disruptive. In summary, the available evidence is currently insufficient to determine the role of this variant in disease. Therefore, it has been classified as a Variant of Uncertain Significance.

NM_031935.3(HMCN1):c.5779A>G (p.Met1927Val)

Gene: HMCN1 (hemicentin 1; plus strand). Cytogenetic location: 1q31.1.
Variant type: single nucleotide variant.
Coding change: c.5779A>G on transcript NM_031935.3 (MANE Select); coding-DNA position 5779, A replaced by G.
Protein change: p.Met1927Val; replaces methionine 1927 with valine.
Molecular consequence: missense variant.
Genome position (GRCh38, 1-based): chr1:186,037,963, A>G. VCF-style: chr1-186037963-A-G. GRCh37 (hg19) VCF-style: chr1-186007095-A-G.
Other names: short protein forms M1927V.
Identifiers: ClinVar variation 4806963 (VCV004806963.1).